The following is an entry in ClinVar:

NM_001198950.3(MYO16):c.1776A>G (p.Gly592=)

Gene: MYO16 (myosin XVI; plus strand). Cytogenetic location: 13q33.3.
Variant type: single nucleotide variant.
Coding change: c.1776A>G on transcript NM_001198950.3 (MANE Select); coding-DNA position 1776, A replaced by G.
Protein change: p.Gly592=; no amino-acid change (glycine 592 retained).
Molecular consequence: synonymous variant.
Genome position (GRCh38, 1-based): chr13:108,898,132, A>G. VCF-style: chr13-108898132-A-G. GRCh37 (hg19) VCF-style: chr13-109550480-A-G.
Other names: c.1710A>G, p.Gly570= (NM_015011.3).
Identifiers: ClinVar variation 3058516 (VCV003058516.2), dbSNP rs775969040, ClinGen allele CA7044853.
Genomic context (GRCh38, chr13:108,898,132, plus strand): 5'-CAGTTGCTTCATCAAGTATTTTGAACTGCAGTTCTGTGAGAGGAAACAACAGCTAACCGG[A>G]GGTAAGTGCAGTATTTGACAACGTGGATTTCCTGTGCCGAGCCAGCATGCGACCACGTCA-3'
Protein context (NP_001185879.1, residues 582-602): QFCERKQQLT[Gly592=]ARIYTYLLEK

ClinVar aggregate classification (germline): Likely benign (0 of 4 stars; one submission).

Conditions:
MYO16-related disorder. Also called: MYO16-related condition.

Allele frequency attached by ClinVar (database versions not stated): gnomAD 0.00001; gnomAD exomes 0.00002; TOPMed 0.00006; ExAC 0.00007.
gnomAD v4.1: 32 of 1,600,918 alleles (0.002%); highest among the groups gnomAD compares: Middle Eastern, 0.082%; no homozygotes.

Submission:

PreventionGenetics, part of Exact Sciences
Classification: Likely benign for MYO16-related condition. Last evaluated: 2019-02-21. Review status: no assertion criteria provided. Collection method: clinical testing. Allele origin: germline.
Comment: This variant is classified as likely benign based on ACMG/AMP sequence variant interpretation guidelines (Richards et al. 2015 PMID: 25741868, with internal and published modifications).